The following is an entry in ClinVar:

NM_178510.2(ANKK1):c.2137G>A (p.Glu713Lys)

Gene: ANKK1 (ankyrin repeat and kinase domain containing 1; plus strand). Cytogenetic location: 11q23.2.
Variant type: single nucleotide variant.
Coding change: c.2137G>A on transcript NM_178510.2 (MANE Select); coding-DNA position 2137, G replaced by A.
Protein change: p.Glu713Lys; replaces glutamic acid 713 with lysine.
Molecular consequence: missense variant.
Genome position (GRCh38, 1-based): chr11:113,400,106, G>A. VCF-style: chr11-113400106-G-A. GRCh37 (hg19) VCF-style: chr11-113270828-G-A.
Other names: ANKK1, GLU713LYS (rs1800497); short protein forms E713K.
Identifiers: ClinVar variation 2105 (VCV000002105.12), dbSNP rs1800497, ClinGen allele CA115344.
Genomic context (GRCh38, chr11:113,400,106, plus strand): 5'-TGGACACCCGCCCACCTGGCCGCCCTCAAGGGCAACACAGCCATCCTCAAAGTGCTGGTC[G>A]AGGCAGGCGCCCAGCTGGACGTCCAGGATGGAGTGAGCTGCACACCCCTGCAACTGGCCC-3'
Protein context (NP_848605.1, residues 703-723): GNTAILKVLV[Glu713Lys]AGAQLDVQDG

ClinVar aggregate classification (germline): Benign. Review status: criteria provided, multiple submitters, no conflicts (2 of 4 stars). 5 submissions from 5 submitters: Benign (3). 2 of the submissions do not count toward it. Last evaluated 2013-04-16.

Conditions:
ANKK1-related disorder. Also called: ANKK1-related condition.
Schizophrenia (SCZD). Identifiers: MedGen C0036341, MeSH D012559, MONDO:0005090, OMIM 181500, HP:0100753.
Taq1A POLYMORPHISM. Identifiers: MedGen C4694057.

Allele frequency attached by ClinVar (database versions not stated): gnomAD exomes 0.26419; 1000 Genomes Project 30x 0.32339; gnomAD 0.25943 and 0.25693; 1000 Genomes Project 0.32568; TOPMed 0.27270; ExAC 0.27594.
gnomAD v4.1: 359,629 of 1,612,642 alleles (22%); highest among the groups gnomAD compares: Admixed American, 40%; 43,632 homozygotes.

Submissions (5):

Eurofins Ntd Llc (ga)
Classification: Benign. Last evaluated: 2013-04-16. Review status: criteria provided, single submitter. Criteria: EGL Classification Definitions 2015. Collection method: clinical testing. Allele origin: germline. Observed: 46 variant alleles, 39 heterozygotes, 7 homozygotes.

Breakthrough Genomics
Classification: Benign. Review status: criteria provided, single submitter. Criteria: ACMG Guidelines, 2015. Collection method: not provided. Allele origin: germline. Inheritance: Unknown mechanism. Affected: yes.

Center for Forensic Mental Health, Chiba University
Classification: Benign for Schizophrenia. Review status: criteria provided, single submitter. Criteria: ACMG Guidelines, 2015. Collection method: case-control. Allele origin: germline. Affected: no.

PreventionGenetics, part of Exact Sciences
Classification: Likely benign for ANKK1-related condition. Last evaluated: 2021-07-22. Review status: no assertion criteria provided. Collection method: clinical testing. Allele origin: germline. Not counted in ClinVar's aggregate classification.
Comment: This variant is classified as likely benign based on ACMG/AMP sequence variant interpretation guidelines (Richards et al. 2015 PMID: 25741868, with internal and published modifications).

OMIM
Classification: Benign for Taq1A POLYMORPHISM. Last evaluated: 2008-10-17. Review status: no assertion criteria provided. Collection method: literature only. Allele origin: germline. Not counted in ClinVar's aggregate classification.

Literature cited by the submitters: PubMed 15146457 (cited by OMIM); PubMed 9429233 (cited by OMIM); PubMed 10395223 (cited by OMIM); PubMed 11105655 (cited by OMIM); PubMed 9650634 (cited by OMIM); PubMed 15479180 (cited by OMIM); PubMed 15370155 (cited by OMIM); PubMed 18063800 (cited by OMIM); PubMed 18621654 (cited by OMIM); PubMed 18927395 (cited by OMIM).